The following is an entry in ClinVar:

ClinVar aggregate classification (germline): Conflicting classifications of pathogenicity. Review status: criteria provided, conflicting classifications (1 of 4 stars). 2 submissions from 2 submitters: Uncertain significance (1); Likely benign (1). Last evaluated 2026-05-05.

Conditions:
VHL-related disorder. Also called: VHL-related condition.

Submissions (2):

PreventionGenetics, part of Exact Sciences
Classification: Likely benign for VHL-related condition. Last evaluated: 2026-05-05. Review status: criteria provided, single submitter. Criteria: ACMG Guidelines, 2015. Collection method: clinical testing. Allele origin: germline.
Comment: This variant is classified as likely benign based on ACMG/AMP sequence variant interpretation guidelines (Richards et al. 2015 PMID: 25741868, with internal and published modifications).

Women's Health and Genetics/Laboratory Corporation of America, LabCorp
Classification: Uncertain significance. Last evaluated: 2016-10-31. Review status: criteria provided, single submitter. Criteria: LabCorp Variant Classification Summary - May 2015. Collection method: clinical testing. Allele origin: germline.
Comment: Variant summary: The VHL c.341-21_341-19delAAC variant involves the deletion of intronic nucleotides. Mutation taster predicts a damaging outcome for this variant while 5/5 splice site tools predict the variant not to have an impact on normal splicing. This variant was found in 2/121396 control chromosomes at a frequency of 0.0000165, which does not exceed the estimated maximal expected allele frequency of a pathogenic VHL variant (0.0000208). The variant of interest has not, to our knowledge, been reported in affected individuals via publications and/or reputable databases/clinical diagnostic laboratories; nor evaluated for functional impact by in vivo/vitro studies. Because of the absence of clinical information and the lack of functional studies, the variant is classified as a variant of uncertain significance (VUS) until additional information becomes available.

NM_000551.4(VHL):c.341-21_341-19del

Genes: VHL (von Hippel-Lindau tumor suppressor; plus strand), LOC107303340 (3p25 von Hippel-Lindau tumor suppressor, E3 ubiquitin protein ligase Alu-mediated recombination region; plus strand). Cytogenetic location: 3p25.3.
Variant type: Microsatellite.
Coding change: c.341-21_341-19del on transcript NM_000551.4 (MANE Select); 21 bases into the intron before coding-DNA position 341 through 19 bases into the intron before coding-DNA position 341, 3 bases deleted (AAC; older notation c.341-21_341-19delAAC).
Molecular consequence: intron variant.
Genome position (GRCh38, 1-based): chr3:10,146,493-10,146,495, AAC deleted; deleting any 3 consecutive bases within chr3:10,146,490-10,146,495 gives the same sequence; the c. name uses the placement nearest the transcript's 3' end. VCF-style (leftmost placement, unchanged base first): chr3-10146489-TAAC-T. GRCh37 (hg19) VCF-style: chr3-10188173-TAAC-T.
Other names: c.341-21_341-19delAAC (NM_000551.3); c.*18-3294_*18-3292del (NM_001354723.2); c.341-3294_341-3292del (NM_198156.3).
Identifiers: ClinVar variation 496056 (VCV000496056.2), dbSNP rs779747717, ClinGen allele CA040494.